The following is an entry in ClinVar:

NM_145239.3(PRRT2):c.128A>G (p.Asp43Gly)

Genes: MVP-DT (MVP divergent transcript; minus strand), PRRT2 (proline rich transmembrane protein 2; plus strand). Cytogenetic location: 16p11.2.
Variant type: single nucleotide variant.
Coding change: c.128A>G on transcript NM_145239.3 (MANE Select); coding-DNA position 128, A replaced by G.
Protein change: p.Asp43Gly; replaces aspartic acid 43 with glycine.
Molecular consequence: missense variant.
Genome position (GRCh38, 1-based): chr16:29,813,182, A>G. VCF-style: chr16-29813182-A-G. GRCh37 (hg19) VCF-style: chr16-29824503-A-G.
Other names: c.128A>G, p.Asp43Gly (NM_001256442.2, NM_001256443.2); short protein forms D43G.
Identifiers: ClinVar variation 2134411 (VCV002134411.5), dbSNP rs1596890089, ClinGen allele CA395477386.

ClinVar aggregate classification (germline): Uncertain significance. Review status: criteria provided, multiple submitters, no conflicts (2 of 4 stars). 2 submissions from 2 submitters: Uncertain significance (2). Last evaluated 2024-10-18.

Conditions:
Episodic kinesigenic dyskinesia 1 (EKD1). Also called: PRRT2-Related Paroxysmal Kinesigenic Dyskinesia (PKD); PxMD-PRRT2; DYSTONIA, FAMILIAL PAROXYSMAL; PAROXYSMAL KINESIGENIC CHOREOATHETOSIS; Dystonia 10. Identifiers: Orphanet 98809, MedGen C4552000, MONDO:0100352, OMIM 128200, MONDO:0007494.
Episodic kinesigenic dyskinesia (EKD). Also called: Paroxysmal kinesigenic dyskinesia. Identifiers: Orphanet 98809, MedGen C1868682, MONDO:0044202.

Allele frequency attached by ClinVar (database versions not stated): gnomAD exomes below 0.00001.
gnomAD v4.1: 2 of 1,613,894 alleles (0.00012%); highest among the groups gnomAD compares: South Asian, 0.0011%; no homozygotes.

Submissions (2):

Labcorp Genetics (formerly Invitae), Labcorp
Classification: Uncertain significance for Episodic kinesigenic dyskinesia. Last evaluated: 2024-10-18. Review status: criteria provided, single submitter. Criteria: Invitae Variant Classification Sherloc (09022015). Collection method: clinical testing. Allele origin: germline.
Comment: This sequence change replaces aspartic acid, which is acidic and polar, with glycine, which is neutral and non-polar, at codon 43 of the PRRT2 protein (p.Asp43Gly). This variant is not present in population databases (gnomAD no frequency). This variant has not been reported in the literature in individuals affected with PRRT2-related conditions. ClinVar contains an entry for this variant (Variation ID: 2134411). Invitae Evidence Modeling of protein sequence and biophysical properties (such as structural, functional, and spatial information, amino acid conservation, physicochemical variation, residue mobility, and thermodynamic stability) indicates that this missense variant is not expected to disrupt PRRT2 protein function with a negative predictive value of 95%. In summary, the available evidence is currently insufficient to determine the role of this variant in disease. Therefore, it has been classified as a Variant of Uncertain Significance.

Neuberg Centre For Genomic Medicine, NCGM
Classification: Uncertain significance for Episodic kinesigenic dyskinesia 1. Last evaluated: 2023-02-14. Review status: criteria provided, single submitter. Criteria: ACMG Guidelines, 2015. Collection method: clinical testing. Allele origin: germline. Inheritance: Autosomal dominant inheritance. Affected: yes.
Comment: The missense c.128A>G (p.Asp43Gly) variant in PRRT2 gene has not been reported previously as a pathogenic variant nor as a benign variant, to our knowledge. The p.Asp43Gly variant is novel (not in any individuals) in both gnomAD Exomes and 1000 Genomes databases. This variant has not been reported to the ClinVar database. The amino acid change p.Asp43Gly in PRRT2 is predicted as conserved by GERP++. The amino acid Asp at position 43 is changed to a Gly changing protein sequence and it might alter its composition and physico-chemical properties. For these reasons, this variant has been classified as a Variant of Uncertain Significance (VUS).